The following is an entry in ClinVar:

NM_005739.4(RASGRP1):c.98G>T (p.Ser33Ile)

Gene: RASGRP1 (RAS guanyl releasing protein 1; minus strand). Cytogenetic location: 15q14.
Variant type: single nucleotide variant.
Coding change: c.98G>T on transcript NM_005739.4 (MANE Select); coding-DNA position 98, G replaced by T.
Protein change: p.Ser33Ile; replaces serine 33 with isoleucine.
Molecular consequence: missense variant.
Genome position (GRCh38, 1-based): chr15:38,559,943, C>A on the plus strand (G>T on the coding strand, the complement: RASGRP1 is on the minus strand). VCF-style: chr15-38559943-C-A. GRCh37 (hg19) VCF-style: chr15-38852144-C-A.
Other names: c.98G>T, p.Ser33Ile (NM_001128602.2, NM_001306086.2); short protein forms S33I.
Identifiers: ClinVar variation 1411292 (VCV001411292.5), dbSNP rs780647755, ClinGen allele CA7471206.

ClinVar aggregate classification (germline): Uncertain significance (1 of 4 stars; one submission).

Allele frequency attached by ClinVar (database versions not stated): gnomAD 0.00003 and 0.00004; TOPMed 0.00003; gnomAD exomes 0.00007; ExAC 0.00010.
gnomAD v4.1: 108 of 1,613,496 alleles (0.0067%); highest among the groups gnomAD compares: Non-Finnish European, 0.0086%; no homozygotes.

Submission:

Labcorp Genetics (formerly Invitae), Labcorp
Classification: Uncertain significance. Last evaluated: 2022-09-19. Review status: criteria provided, single submitter. Criteria: Invitae Variant Classification Sherloc (09022015). Collection method: clinical testing. Allele origin: germline.
Comment: This sequence change replaces serine, which is neutral and polar, with isoleucine, which is neutral and non-polar, at codon 33 of the RASGRP1 protein (p.Ser33Ile). This variant is present in population databases (rs780647755, gnomAD 0.01%). This variant has not been reported in the literature in individuals affected with RASGRP1-related conditions. ClinVar contains an entry for this variant (Variation ID: 1411292). Algorithms developed to predict the effect of missense changes on protein structure and function (SIFT, PolyPhen-2, Align-GVGD) all suggest that this variant is likely to be tolerated. In summary, the available evidence is currently insufficient to determine the role of this variant in disease. Therefore, it has been classified as a Variant of Uncertain Significance.